The following is an entry in ClinVar:

NM_025243.4(SLC19A3):c.613A>G (p.Arg205Gly)

Gene: SLC19A3 (solute carrier family 19 member 3; minus strand). Cytogenetic location: 2q36.3.
Variant type: single nucleotide variant.
Coding change: c.613A>G on transcript NM_025243.4 (MANE Select); coding-DNA position 613, A replaced by G.
Protein change: p.Arg205Gly; replaces arginine 205 with glycine.
Molecular consequence: missense variant.
Genome position (GRCh38, 1-based): chr2:227,699,102, T>C on the plus strand (A>G on the coding strand, the complement: SLC19A3 is on the minus strand). VCF-style: chr2-227699102-T-C. GRCh37 (hg19) VCF-style: chr2-228563818-T-C.
Other names: p.Arg205Gly; short protein forms R205G.
Identifiers: ClinVar variation 334880 (VCV000334880.45), dbSNP rs199558186, ClinGen allele CA2149257.

ClinVar aggregate classification (germline): Conflicting classifications of pathogenicity. Review status: criteria provided, conflicting classifications (1 of 4 stars). 8 submissions from 8 submitters: Uncertain significance (3); Likely benign (4). 1 of the submissions does not count toward it. Last evaluated 2026-02-01.

Conditions:
Intellectual disability. Also called: intellectual disabilities; Intellectual functioning disability; Intellectual developmental disorder. Identifiers: MedGen C3714756, MeSH D008607, MONDO:0001071, HP:0001249.
Biotin-responsive basal ganglia disease (BTBGD). Also called: Thiamine metabolism dysfunction syndrome 2 (biotin- or thiamine-responsive encephalopathy type 2); THIAMINE METABOLISM DYSFUNCTION SYNDROME 2 (BIOTIN- AND THIAMINE-RESPONSIVE TYPE); Thiamine Transporter-2 Deficiency; thiamine-responsive encephalopathy; Thiamine metabolism dysfunction syndrome type 2. Identifiers: Orphanet 199348, Orphanet 65284, MedGen C1843807, MONDO:0011841, OMIM 607483.
Inborn genetic diseases. Identifiers: MedGen C0950123, MeSH D030342.

Allele frequency attached by ClinVar (database versions not stated): ExAC 0.00033; gnomAD exomes 0.00033 and 0.00094; gnomAD 0.00041; TOPMed 0.00062; ESP Exome Variant Server 0.00069.
gnomAD v4.1: 1,415 of 1,614,062 alleles (0.088%); highest among the groups gnomAD compares: Non-Finnish European, 0.11%; 1 homozygote.

Submissions (8):

Labcorp Genetics (formerly Invitae), Labcorp
Classification: Likely benign for Biotin-responsive basal ganglia disease. Last evaluated: 2026-02-01. Review status: criteria provided, single submitter. Criteria: Invitae Variant Classification Sherloc (09022015). Collection method: clinical testing. Allele origin: germline.

Ambry Genetics
Classification: Likely benign for Inborn genetic diseases. Last evaluated: 2025-12-16. Review status: criteria provided, single submitter. Criteria: Ambry Variant Classification Scheme 2023. Collection method: clinical testing. Allele origin: germline.

Mayo Clinic Laboratories, Mayo Clinic
Classification: Uncertain significance. Last evaluated: 2025-11-23. Review status: criteria provided, single submitter. Criteria: ACMG Guidelines, 2015. Collection method: clinical testing. Allele origin: germline. Observed: 1 variant allele.
Comment: BP4_moderate

CeGaT Center for Human Genetics Tuebingen
Classification: Likely benign. Last evaluated: 2024-12-01. Review status: criteria provided, single submitter. Criteria: CeGaT Center For Human Genetics Tuebingen Variant Classification Criteria Version 2. Collection method: clinical testing. Allele origin: germline. Affected: yes. Observed: 2 variant alleles.
Comment: SLC19A3: BP4

Blueprint Genetics
Classification: Uncertain significance. Last evaluated: 2024-09-09. Review status: criteria provided, single submitter. Criteria: ACMG Guidelines, 2015. Collection method: clinical testing. Allele origin: germline.

Illumina Laboratory Services, Illumina
Classification: Uncertain significance for Biotin-responsive basal ganglia disease. Last evaluated: 2018-01-13. Review status: criteria provided, single submitter. Criteria: ICSL Variant Classification Criteria 13 December 2019. Collection method: clinical testing. Allele origin: germline.

GeneDx
Classification: Likely benign. Last evaluated: 2015-06-24. Review status: criteria provided, single submitter. Criteria: GeneDx Variant Classification (06012015). Collection method: clinical testing. Allele origin: germline. Affected: yes.
Comment: This variant is considered likely benign or benign based on one or more of the following criteria: it is a conservative change, it occurs at a poorly conserved position in the protein, it is predicted to be benign by multiple in silico algorithms, and/or has population frequency not consistent with disease.

Centre de Biologie Pathologie Génétique, Centre Hospitalier Universitaire de Lille
Classification: Likely benign for Intellectual disability. Last evaluated: 2019-01-01. Review status: no assertion criteria provided. Collection method: clinical testing. Allele origin: inherited. Affected: yes. Not counted in ClinVar's aggregate classification.